The following is an entry in ClinVar:

NM_001252024.2(TRPM1):c.763_764insCTGCG (p.His255fs)

Gene: TRPM1 (transient receptor potential cation channel subfamily M member 1; minus strand). Cytogenetic location: 15q13.3.
Variant type: Insertion.
Coding change: c.763_764insCTGCG on transcript NM_001252024.2 (MANE Select); coding-DNA positions 763 to 764, CTGCG inserted.
Protein change: p.His255fs; shifts the reading frame from histidine 255.
Molecular consequence: frameshift variant.
Genome position: GRCh38 VCF-style: chr15-31066102-T-TCGCAG. GRCh37 (hg19) VCF-style: chr15-31358305-T-TCGCAG.
Other names: c.814_815insCTGCG, p.His272fs (NM_001252020.2); c.697_698insCTGCG, p.His233fs (NM_002420.6); short protein forms H233fs, H255fs, H272fs.
Identifiers: ClinVar variation 1069278 (VCV001069278.2), dbSNP rs2034367690, ClinGen allele CA2167782387.

ClinVar aggregate classification (germline): Pathogenic (1 of 4 stars; one submission).

Submission:

Labcorp Genetics (formerly Invitae), Labcorp
Classification: Pathogenic. Last evaluated: 2020-06-13. Review status: criteria provided, single submitter. Criteria: Invitae Variant Classification Sherloc (09022015). Collection method: clinical testing. Allele origin: germline.
Comment: This sequence change creates a premature translational stop signal (p.His233Alafs*47) in the TRPM1 gene. It is expected to result in an absent or disrupted protein product. This variant is not present in population databases (ExAC no frequency). This variant has not been reported in the literature in individuals with TRPM1-related conditions. Loss-of-function variants in TRPM1 are known to be pathogenic (PMID: 19896113, 19966281, 20300565). For these reasons, this variant has been classified as Pathogenic.

Literature cited by the submitters: PubMed 19896113; PubMed 19966281; PubMed 20300565.